The following is an entry in ClinVar:

ClinVar aggregate classification (germline): Uncertain significance. Review status: criteria provided, multiple submitters, no conflicts (2 of 4 stars). 3 submissions from 3 submitters: Uncertain significance (3). Last evaluated 2025-01-07.

Conditions:
Inborn genetic diseases. Identifiers: MedGen C0950123, MeSH D030342.
Isolated cryptophthalmia. Also called: ANKYLOBLEPHARON, SIMPLE; Cryptophthalmos, unilateral or bilateral, isolated. Identifiers: Orphanet 91396, MedGen C1852453, MONDO:0007410, OMIM 123570.
Fraser syndrome 2 (FRASRS2). Identifiers: MedGen C4540036, MONDO:0054738, OMIM 617666.

Allele frequency attached by ClinVar (database versions not stated): gnomAD 0.00001; TOPMed 0.00008.
gnomAD v4.1: 6 of 1,613,660 alleles (0.00037%); highest among the groups gnomAD compares: Admixed American, 0.0067%; no homozygotes.

Submissions (3):

Labcorp Genetics (formerly Invitae), Labcorp
Classification: Uncertain significance. Last evaluated: 2025-01-07. Review status: criteria provided, single submitter. Criteria: Invitae Variant Classification Sherloc (09022015). Collection method: clinical testing. Allele origin: germline.
Comment: This sequence change replaces serine, which is neutral and polar, with phenylalanine, which is neutral and non-polar, at codon 402 of the FREM2 protein (p.Ser402Phe). This variant is present in population databases (no rsID available, gnomAD no frequency). This variant has not been reported in the literature in individuals affected with FREM2-related conditions. ClinVar contains an entry for this variant (Variation ID: 3096781). Invitae Evidence Modeling of protein sequence and biophysical properties (such as structural, functional, and spatial information, amino acid conservation, physicochemical variation, residue mobility, and thermodynamic stability) has been performed for this missense variant. However, the output from this modeling did not meet the statistical confidence thresholds required to predict the impact of this variant on FREM2 protein function. In summary, the available evidence is currently insufficient to determine the role of this variant in disease. Therefore, it has been classified as a Variant of Uncertain Significance.

Fulgent Genetics
Classification: Uncertain significance for Isolated cryptophthalmia; Fraser syndrome 2. Last evaluated: 2024-06-20. Review status: criteria provided, single submitter. Criteria: ACMG Guidelines, 2015. Collection method: clinical testing. Allele origin: germline.

Ambry Genetics
Classification: Uncertain significance for Inborn genetic diseases. Last evaluated: 2024-02-26. Review status: criteria provided, single submitter. Criteria: Ambry Variant Classification Scheme 2023. Collection method: clinical testing. Allele origin: germline.

NM_207361.6(FREM2):c.1205C>T (p.Ser402Phe)

Gene: FREM2 (FRAS1 related extracellular matrix 2; plus strand). Cytogenetic location: 13q13.3.
Variant type: single nucleotide variant.
Coding change: c.1205C>T on transcript NM_207361.6 (MANE Select); coding-DNA position 1205, C replaced by T.
Protein change: p.Ser402Phe; replaces serine 402 with phenylalanine.
Molecular consequence: missense variant.
Genome position (GRCh38, 1-based): chr13:38,688,549, C>T. VCF-style: chr13-38688549-C-T. GRCh37 (hg19) VCF-style: chr13-39262686-C-T.
Other names: short protein forms S402F.
Identifiers: ClinVar variation 3096781 (VCV003096781.4), dbSNP rs761616009, ClinGen allele CA387885197.